The following is an entry in ClinVar:

ClinVar aggregate classification (germline): Uncertain significance. Review status: criteria provided, multiple submitters, no conflicts (2 of 4 stars). 2 submissions from 2 submitters: Uncertain significance (2). Last evaluated 2025-03-03.

Conditions:
Inborn genetic diseases. Identifiers: MedGen C0950123, MeSH D030342.

Allele frequency attached by ClinVar (database versions not stated): TOPMed 0.00002; gnomAD exomes 0.00002; gnomAD 0.00001.
gnomAD v4.1: 24 of 1,614,032 alleles (0.0015%); highest among the groups gnomAD compares: Admixed American, 0.0067%; no homozygotes.

Submissions (2):

Ambry Genetics
Classification: Uncertain significance for Inborn genetic diseases. Last evaluated: 2025-03-03. Review status: criteria provided, single submitter. Criteria: Ambry Variant Classification Scheme 2023. Collection method: clinical testing. Allele origin: germline.

GeneDx
Classification: Uncertain significance. Last evaluated: 2023-03-30. Review status: criteria provided, single submitter. Criteria: GeneDx Variant Classification Process June 2021. Collection method: clinical testing. Allele origin: germline. Affected: yes.
Comment: In silico analysis supports that this missense variant does not alter protein structure/function; Has not been previously published as pathogenic or benign to our knowledge

NM_052867.4(NALCN):c.5164C>T (p.Arg1722Trp)

Genes: NALCN (sodium leak channel, non-selective; minus strand), NALCN-AS1 (NALCN antisense RNA 1; plus strand). Cytogenetic location: 13q32.3.
Variant type: single nucleotide variant.
Coding change: c.5164C>T on transcript NM_052867.4 (MANE Select); coding-DNA position 5164, C replaced by T.
Protein change: p.Arg1722Trp; replaces arginine 1722 with tryptophan.
Molecular consequence: missense variant. On other transcripts: non-coding transcript variant (1).
Genome position (GRCh38, 1-based): chr13:101,055,348, G>A on the plus strand (C>T on the coding strand, the complement: NALCN is on the minus strand). VCF-style: chr13-101055348-G-A. GRCh37 (hg19) VCF-style: chr13-101707700-G-A.
Other names: c.5251C>T, p.Arg1751Trp (NM_001350748.2); c.5164C>T, p.Arg1722Trp (NM_001350749.2); c.5077C>T, p.Arg1693Trp (NM_001350750.2, NM_001350751.2); short protein forms R1693W, R1722W, R1751W.
Identifiers: ClinVar variation 1197467 (VCV001197467.7), dbSNP rs1013463370, ClinGen allele CA255390293.
Genomic context (GRCh38, chr13:101,055,348, plus strand): 5'-CATCCACCTAAATATCCAGAAGGTCATCCCCACTTTCGTCGCTCTCCACAGTCAGCTGCC[G>A]GGTCCACCACTTCTTAACTTCAGAACCGCAGGAAGCCGCGTCAGTCATGGGGTTCATTTT-3'
Protein context (NP_443099.1, residues 1712-1732): CGSEVKKWWT[Arg1722Trp]QLTVESDESG